The following is an entry in ClinVar:

NM_024923.4(NUP210):c.5504G>A (p.Arg1835Gln)

Gene: NUP210 (nucleoporin 210; minus strand). Cytogenetic location: 3p25.1.
Variant type: single nucleotide variant.
Coding change: c.5504G>A on transcript NM_024923.4 (MANE Select); coding-DNA position 5504, G replaced by A.
Protein change: p.Arg1835Gln; replaces arginine 1835 with glutamine.
Molecular consequence: missense variant.
Genome position (GRCh38, 1-based): chr3:13,319,131, C>T on the plus strand (G>A on the coding strand, the complement: NUP210 is on the minus strand). VCF-style: chr3-13319131-C-T. GRCh37 (hg19) VCF-style: chr3-13360631-C-T.
Other names: c.5504G>A (NM_024923.2); short protein forms R1835Q.
Identifiers: ClinVar variation 2653569 (VCV002653569.25), dbSNP rs145799181, ClinGen allele CA2262708.

ClinVar aggregate classification (germline): Conflicting classifications of pathogenicity. Review status: criteria provided, conflicting classifications (1 of 4 stars). 2 submissions from 2 submitters: Uncertain significance (1); Likely benign (1). Last evaluated 2025-10-22.

Allele frequency attached by ClinVar (database versions not stated): TOPMed 0.00003; gnomAD 0.00005; ExAC 0.00008; ESP Exome Variant Server 0.00008; 1000 Genomes Project 30x 0.00016; 1000 Genomes Project 0.00020.
gnomAD v4.1: 62 of 1,609,756 alleles (0.0039%); highest among the groups gnomAD compares: Middle Eastern, 0.017%; no homozygotes.

Submissions (2):

Ambry Genetics
Classification: Uncertain significance. Last evaluated: 2025-10-22. Review status: criteria provided, single submitter. Criteria: Ambry Variant Classification Scheme 2023. Collection method: clinical testing. Allele origin: germline.

CeGaT Center for Human Genetics Tuebingen
Classification: Likely benign. Last evaluated: 2022-11-01. Review status: criteria provided, single submitter. Criteria: CeGaT Center For Human Genetics Tuebingen Variant Classification Criteria Version 2. Collection method: clinical testing. Allele origin: germline. Affected: yes. Observed: 1 variant allele.
Comment: NUP210: BP4